The following is an entry in ClinVar:

ClinVar aggregate classification (germline): Pathogenic. Review status: criteria provided, multiple submitters, no conflicts (2 of 4 stars). 2 submissions from 2 submitters: Pathogenic (2). Last evaluated 2025-04-21.

Conditions:
Leber congenital amaurosis (LCA). Also called: Leber's amaurosis. Identifiers: Orphanet 65, MedGen C0339527, MeSH D057130, MONDO:0018998.
Joubert syndrome. Also called: CEREBELLOPARENCHYMAL DISORDER IV; JOUBERT-BOLTSHAUSER SYNDROME; Familial aplasia of the vermis. Identifiers: Orphanet 475, MedGen C5979921, MONDO:0018772.
Nephronophthisis. Also called: Juvenile Nephronophthisis. Identifiers: Orphanet 655, MedGen C0687120, MONDO:0019005, HP:0000090.
Meckel-Gruber syndrome. Also called: DYSENCEPHALIA SPLANCHNOCYSTICA; GRUBER SYNDROME; Dysencephalia splachnocystica. Identifiers: Orphanet 564, MedGen C0265215, MONDO:0018921.

Submissions (2):

Natera, Inc.
Classification: Pathogenic for Leber congenital amaurosis. Last evaluated: 2025-04-21. Review status: criteria provided, single submitter. Criteria: Natera Variant Classification Schema (03/2026). Collection method: clinical testing. Allele origin: germline.
Comment: The c.597_648delGGAAGACAGTGACTACCGATCACAGTTGTCTAAAAAAAACTATGAGCTTATC variant in CEP290 is a frameshift variant predicted to shift the reading frame beginning at codon 200 and leads to a stop codon 9 codons downstream. This variant is expected to result in nonsense mediated decay, truncation, or a dysfunctional protein product. This variant is rare in the general population with a frequency below the threshold expected for the associated phenotype(s). This variant has been observed in one or more individuals affected with the associated recessive disease, as either homozygous or compound heterozygous with a second variant (PMID: 37230223). Given the available evidence, this variant is classified as Pathogenic.

Labcorp Genetics (formerly Invitae), Labcorp
Classification: Pathogenic for Joubert syndrome; Meckel-Gruber syndrome; Nephronophthisis. Last evaluated: 2021-08-27. Review status: criteria provided, single submitter. Criteria: Invitae Variant Classification Sherloc (09022015). Collection method: clinical testing. Allele origin: germline.
Comment: This sequence change creates a premature translational stop signal (p.Glu200Asnfs*9) in the CEP290 gene. It is expected to result in an absent or disrupted protein product. Loss-of-function variants in CEP290 are known to be pathogenic (PMID: 16909394, 17345604, 20690115). This variant is not present in population databases (ExAC no frequency). This variant has not been reported in the literature in individuals affected with CEP290-related conditions. For these reasons, this variant has been classified as Pathogenic.

Literature cited by the submitters: PubMed 37230223 (cited by Natera, Inc.); PubMed 16909394 (cited by Labcorp Genetics (formerly Invitae), Labcorp); PubMed 17345604 (cited by Labcorp Genetics (formerly Invitae), Labcorp); PubMed 20690115 (cited by Labcorp Genetics (formerly Invitae), Labcorp).

NM_025114.4(CEP290):c.597_648del (p.Glu200fs)

Gene: CEP290 (centrosomal protein 290; minus strand). Cytogenetic location: 12q21.32.
Variant type: Deletion.
Coding change: c.597_648del on transcript NM_025114.4 (MANE Select); coding-DNA positions 597 to 648, 52 bases deleted.
Protein change: p.Glu200fs; shifts the reading frame from glutamic acid 200.
Molecular consequence: frameshift variant.
Genome position (GRCh38, 1-based): chr12:88,130,289-88,130,340, 52 bases deleted. GRCh37 (hg19): chr12:88,524,066-88,524,117.
Other names: c.597_648delGGAAGACAGTGACTACCGATCACAGTTGTCTAAAAAAAACTATGAGCTTATC (NM_025114.3); short protein forms E200fs.
Identifiers: ClinVar variation 1436198 (VCV001436198.7), dbSNP rs2039985700, ClinGen allele CA2052923057.